The following is an entry in ClinVar:

ClinVar aggregate classification (germline): Likely benign. Review status: criteria provided, multiple submitters, no conflicts (2 of 4 stars). 3 submissions from 3 submitters: Likely benign (3). Last evaluated 2024-02-26.

Conditions:
Hereditary cancer-predisposing syndrome. Also called: Hereditary neoplastic syndrome; Hereditary Cancer Syndrome; Neoplastic Syndromes, Hereditary; Tumor predisposition. Identifiers: Orphanet 140162, MedGen C0027672, MeSH D009386, MONDO:0015356.
Hereditary breast ovarian cancer syndrome. Also called: Hereditary breast and ovarian cancer syndrome; Breast and ovarian cancer; BRCA1- and BRCA2-Associated Hereditary Breast and Ovarian Cancer; Hereditary breast and ovarian cancer syndrome (HBOC); Hereditary breast and/or ovarian cancer syndrome; Hereditary breast and ovarian cancer. Identifiers: Orphanet 145, MedGen C0677776, MeSH D061325, MONDO:0003582. Disease mechanism: loss of function.

Submissions (3):

Labcorp Genetics (formerly Invitae), Labcorp
Classification: Likely benign for Hereditary breast ovarian cancer syndrome. Last evaluated: 2024-02-26. Review status: criteria provided, single submitter. Criteria: Invitae Variant Classification Sherloc (09022015). Collection method: clinical testing. Allele origin: germline.

Ambry Genetics
Classification: Likely benign for Hereditary cancer-predisposing syndrome. Last evaluated: 2021-11-06. Review status: criteria provided, single submitter. Criteria: Ambry Variant Classification Scheme 2023. Collection method: clinical testing. Allele origin: germline.

GeneDx
Classification: Likely benign. Last evaluated: 2017-05-28. Review status: criteria provided, single submitter. Criteria: GeneDx Variant Classification (06012015). Collection method: clinical testing. Allele origin: germline. Affected: yes.
Comment: This variant is considered likely benign or benign based on one or more of the following criteria: it is a conservative change, it occurs at a poorly conserved position in the protein, it is predicted to be benign by multiple in silico algorithms, and/or has population frequency not consistent with disease.

NM_000059.4(BRCA2):c.3096A>G (p.Lys1032=)

Gene: BRCA2 (BRCA2 DNA repair associated; plus strand). Cytogenetic location: 13q13.1.
Variant type: single nucleotide variant.
Coding change: c.3096A>G on transcript NM_000059.4 (MANE Select); coding-DNA position 3096, A replaced by G.
Protein change: p.Lys1032=; no amino-acid change (lysine 1032 retained).
Molecular consequence: synonymous variant.
Genome position (GRCh38, 1-based): chr13:32,337,451, A>G. VCF-style: chr13-32337451-A-G. GRCh37 (hg19) VCF-style: chr13-32911588-A-G.
Identifiers: ClinVar variation 509977 (VCV000509977.12), dbSNP rs1555283050, ClinGen allele CA483437557.